The following is an entry in ClinVar:

ClinVar aggregate classification (germline): Benign. Review status: criteria provided, multiple submitters, no conflicts (2 of 4 stars). 3 submissions from 2 submitters: Benign (3). Last evaluated 2018-01-12.

Conditions:
Weill-Marchesani syndrome. Also called: WM Syndrome; Mesodermal dysmorphodystrophy congenital. Identifiers: Orphanet 3449, MedGen C0265313, MONDO:0018096.
Glaucoma 3, primary congenital, D. Identifiers: Orphanet 98976, MedGen C2751316, MONDO:0013122, OMIM 613086.

Allele frequency attached by ClinVar (database versions not stated): gnomAD exomes 0.01491; 1000 Genomes Project 30x 0.02733; 1000 Genomes Project 0.02796; gnomAD 0.03015 and 0.03184; TOPMed 0.03218.
gnomAD v4.1: 5,655 of 225,244 alleles (2.5%); highest among the groups gnomAD compares: African/African-American, 7.2%; 152 homozygotes.

Submissions (3):

Illumina Laboratory Services, Illumina
Classification: Benign for Weill-Marchesani syndrome. Last evaluated: 2018-01-12. Review status: criteria provided, single submitter. Criteria: ICSL Variant Classification Criteria 13 December 2019. Collection method: clinical testing. Allele origin: germline.
Comment: This variant was observed in the ICSL laboratory as part of a predisposition screen in an ostensibly healthy population. It had not been previously curated by ICSL or reported in the Human Gene Mutation Database (HGMD: prior to June 1st, 2018), and was therefore a candidate for classification through an automated scoring system. Utilizing variant allele frequency, disease prevalence and penetrance estimates, and inheritance mode, an automated score was calculated to assess if this variant is too frequent to cause the disease. Based on the score and internal cut-off values, a variant classified as benign is not then subjected to further curation. The score for this variant resulted in a classification of benign for this disease.

Illumina Laboratory Services, Illumina
Classification: Benign for Glaucoma 3, primary congenital, D. Last evaluated: 2018-01-12. Review status: criteria provided, single submitter. Criteria: ICSL Variant Classification Criteria 13 December 2019. Collection method: clinical testing. Allele origin: germline.
Comment: the same text as in the submission from Illumina Laboratory Services, Illumina above.

Breakthrough Genomics
Classification: Benign. Review status: criteria provided, single submitter. Criteria: ACMG Guidelines, 2015. Collection method: not provided. Allele origin: germline. Inheritance: Autosomal recessive inheritance. Affected: yes.

NM_000428.3(LTBP2):c.*1957A>G

Gene: LTBP2 (latent transforming growth factor beta binding protein 2; minus strand). Cytogenetic location: 14q24.3.
Variant type: single nucleotide variant.
Coding change: c.*1957A>G on transcript NM_000428.3 (MANE Select); 1957 bases downstream of the stop codon, A replaced by G.
Molecular consequence: 3 prime UTR variant.
Genome position (GRCh38, 1-based): chr14:74,498,927, T>C on the plus strand (A>G on the coding strand, the complement: LTBP2 is on the minus strand). VCF-style: chr14-74498927-T-C. GRCh37 (hg19) VCF-style: chr14-74965630-T-C.
Identifiers: ClinVar variation 314245 (VCV000314245.6), dbSNP rs73296215, ClinGen allele CA10644866.